The following is an entry in ClinVar:

ClinVar aggregate classification (germline): Uncertain significance (1 of 4 stars; one submission).

Conditions:
Familial melanoma. Also called: Hereditary melanoma; Hereditary cutaneous melanoma. Identifiers: Orphanet 618, MedGen C1512419, MONDO:0018961.

Allele frequency attached by ClinVar (database versions not stated): gnomAD exomes below 0.00001.
gnomAD v4.1: 1 of 1,613,894 alleles (0.000062%); highest among the groups gnomAD compares: Non-Finnish European, 0.000085%; no homozygotes.

Submission:

Labcorp Genetics (formerly Invitae), Labcorp
Classification: Uncertain significance for Familial melanoma. Last evaluated: 2025-03-04. Review status: criteria provided, single submitter. Criteria: Invitae Variant Classification Sherloc (09022015). Collection method: clinical testing. Allele origin: germline.
Comment: This sequence change disrupts the translational stop signal of the CDKN2A (p16INK4a) mRNA. It is expected to extend the length of the CDKN2A (p16INK4a) protein by 13 additional amino acid residues. This variant is present in population databases (no rsID available, gnomAD 0.0009%). This variant has not been reported in the literature in individuals affected with CDKN2A (p16INK4a)-related conditions. ClinVar contains an entry for this variant (Variation ID: 2084175). In summary, the available evidence is currently insufficient to determine the role of this variant in disease. Therefore, it has been classified as a Variant of Uncertain Significance.

NM_000077.5(CDKN2A):c.470G>T (p.Ter157Leu)

Gene: CDKN2A (cyclin dependent kinase inhibitor 2A; minus strand). Cytogenetic location: 9p21.3.
Variant type: single nucleotide variant.
Coding change: c.470G>T on transcript NM_000077.5; coding-DNA position 470, G replaced by T.
Protein change: p.Ter157Leu.
Molecular consequence: stop lost (on NM_000077.6). On other transcripts: 3 prime UTR variant (3).
Genome position (GRCh38, 1-based): chr9:21,968,230, C>A on the plus strand (G>T on the coding strand, the complement: CDKN2A is on the minus strand). VCF-style: chr9-21968230-C-A. GRCh37 (hg19) VCF-style: chr9-21968229-C-A.
Other names: c.470G>T, p.Ter157Leu (NM_000077.6); c.*163G>T (NM_001195132.2); c.317G>T, p.Ter106Leu (NM_001363763.2); c.*114G>T (NM_058195.4); c.*393G>T (NM_058197.5).
Identifiers: ClinVar variation 2084175 (VCV002084175.4), dbSNP rs1473161353, ClinGen allele CA373085053.
Genomic context (GRCh38, chr9:21,968,230, plus strand): 5'-GACCTTCGGTGACTGATGATCTAAGTTTCCCGAGGTTTCTCAGAGCCTCTCTGGTTCTTT[C>A]AATCGGGGATGTCTGCAGAGGGCAGAAAGAAAACAGGCGTTAGAAACCTGAGGTCAAAGA-3'